The following is an entry in ClinVar:

ClinVar aggregate classification (germline): Uncertain significance (1 of 4 stars; one submission).

Submission:

Labcorp Genetics (formerly Invitae), Labcorp
Classification: Uncertain significance. Last evaluated: 2022-02-04. Review status: criteria provided, single submitter. Criteria: Invitae Variant Classification Sherloc (09022015). Collection method: clinical testing. Allele origin: germline.
Comment: This variant, c.1193_1198del, results in the deletion of 2 amino acid(s) of the MSH3 protein (p.Gly398_Glu399del), but otherwise preserves the integrity of the reading frame. This variant is not present in population databases (gnomAD no frequency). This variant has not been reported in the literature in individuals affected with MSH3-related conditions. Experimental studies and prediction algorithms are not available or were not evaluated, and the functional significance of this variant is currently unknown. In summary, the available evidence is currently insufficient to determine the role of this variant in disease. Therefore, it has been classified as a Variant of Uncertain Significance.

NM_002439.5(MSH3):c.1193_1198del (p.Gly398_Glu399del)

Gene: MSH3 (mutS homolog 3; plus strand). Cytogenetic location: 5q14.1.
Variant type: Deletion.
Coding change: c.1193_1198del on transcript NM_002439.5 (MANE Select); coding-DNA positions 1193 to 1198, 6 bases deleted (GCGAGG; older notation c.1193_1198delGCGAGG).
Protein change: p.Gly398_Glu399del.
Molecular consequence: inframe deletion.
Genome position (GRCh38, 1-based): chr5:80,678,946-80,678,951, GCGAGG deleted; deleting any 6 consecutive bases within chr5:80,678,945-80,678,951 gives the same sequence; the c. name uses the placement nearest the transcript's 3' end. VCF-style (leftmost placement, unchanged base first): chr5-80678944-AGGCGAG-A. GRCh37 (hg19) VCF-style: chr5-79974763-AGGCGAG-A.
Identifiers: ClinVar variation 2092766 (VCV002092766.4), dbSNP rs1432705374, ClinGen allele CA814455899.
Genomic context (GRCh38, chr5:80,678,944, plus strand): 5'-AAATACATTTTTTCTGTAACATTATATTTGTATTTGTTTTTAGGGAGTGCAGCCTGCCAC[AGGCGAG>A]GTTGTGTTTGATAGTTTCCAGGACTCTGCTTCTCGTTCAGAGCTAGAAACCCGGATGTCA-3'